The following is an entry in ClinVar:

ClinVar aggregate classification (germline): Benign/Likely benign. Review status: criteria provided, multiple submitters, no conflicts (2 of 4 stars). 7 submissions from 7 submitters: Benign (5); Likely benign (1). 1 of the submissions does not count toward it. Last evaluated 2026-01-28.

Conditions:
Usher syndrome type 2C. Also called: Usher syndrome, type 2B; USHER SYNDROME, TYPE IIC. Identifiers: Orphanet 231178, Orphanet 886, MedGen C2931213, MONDO:0011558, OMIM 605472.
Febrile seizures, familial, 4 (FEB4). Also called: CONVULSIONS, FAMILIAL FEBRILE, 4. Identifiers: MedGen C1858493, MONDO:0011443, OMIM 604352.

Allele frequency attached by ClinVar (database versions not stated): 1000 Genomes Project 0.01278; 1000 Genomes Project 30x 0.01515; gnomAD exomes 0.00106 and 0.00283; ExAC 0.00346; gnomAD 0.01065 and 0.01133; ESP Exome Variant Server 0.01129; TOPMed 0.01159.
gnomAD v4.1: 3,223 of 1,613,748 alleles (0.2%); highest among the groups gnomAD compares: African/African-American, 3.7%; 60 homozygotes.

Submissions (7):

Labcorp Genetics (formerly Invitae), Labcorp
Classification: Benign. Last evaluated: 2026-01-28. Review status: criteria provided, single submitter. Criteria: Invitae Variant Classification Sherloc (09022015). Collection method: clinical testing. Allele origin: germline.

Athena Diagnostics
Classification: Benign. Last evaluated: 2024-06-04. Review status: criteria provided, single submitter. Criteria: Athena Diagnostics Criteria. Collection method: clinical testing. Allele origin: unknown.

Fulgent Genetics
Classification: Likely benign for Febrile seizures, familial, 4; Usher syndrome type 2C. Last evaluated: 2021-11-05. Review status: criteria provided, single submitter. Criteria: ACMG Guidelines, 2015. Collection method: clinical testing. Allele origin: unknown.

Illumina Laboratory Services, Illumina
Classification: Benign for Usher syndrome type 2C. Last evaluated: 2018-01-12. Review status: criteria provided, single submitter. Criteria: ICSL Variant Classification Criteria 13 December 2019. Collection method: clinical testing. Allele origin: germline.
Comment: This variant was observed in the ICSL laboratory as part of a predisposition screen in an ostensibly healthy population. It had not been previously curated by ICSL or reported in the Human Gene Mutation Database (HGMD: prior to June 1st, 2018), and was therefore a candidate for classification through an automated scoring system. Utilizing variant allele frequency, disease prevalence and penetrance estimates, and inheritance mode, an automated score was calculated to assess if this variant is too frequent to cause the disease. Based on the score and internal cut-off values, a variant classified as benign is not then subjected to further curation. The score for this variant resulted in a classification of benign for this disease.

GeneDx
Classification: Benign. Last evaluated: 2013-04-30. Review status: criteria provided, single submitter. Criteria: GeneDx Variant Classification (06012015). Collection method: clinical testing. Allele origin: germline. Affected: yes.
Comment: This variant is considered likely benign or benign based on one or more of the following criteria: it is a conservative change, it occurs at a poorly conserved position in the protein, it is predicted to be benign by multiple in silico algorithms, and/or has population frequency not consistent with disease.

Laboratory for Molecular Medicine, Mass General Brigham Personalized Medicine
Classification: Benign. Last evaluated: 2011-10-20. Review status: criteria provided, single submitter. Criteria: LMM Criteria. Collection method: clinical testing. Allele origin: germline. Observed: 17 variant alleles.
Comment: Ala2431Ala in exon 33 of GPR98: This variant is not expected to have clinical si gnificance because it does not alter an amino acid residue, is not located near a splice junction and is listed in dbSNP with a frequency of 6.8% (8/118) West A frican chromsomes and 2% (18/900) control chromosomes (rs77791584).

Genetic Services Laboratory, University of Chicago
Classification: Likely benign. Review status: no assertion criteria provided. Collection method: clinical testing. Allele origin: germline. Inheritance: Autosomal dominant inheritance. Not counted in ClinVar's aggregate classification.
Comment: Likely benign based on allele frequency in 1000 Genomes Project or ESP global frequency and its presence in a patient with a rare or unrelated disease phenotype. NOT Sanger confirmed

Literature cited by the submitters: PubMed 22135276 (cited by Athena Diagnostics).

NM_032119.4(ADGRV1):c.7293C>T (p.Ala2431=)

Gene: ADGRV1 (adhesion G protein-coupled receptor V1; plus strand). Cytogenetic location: 5q14.3.
Variant type: single nucleotide variant.
Coding change: c.7293C>T on transcript NM_032119.4 (MANE Select); coding-DNA position 7293, C replaced by T.
Protein change: p.Ala2431=; no amino-acid change (alanine 2431 retained).
Molecular consequence: synonymous variant. On other transcripts: non-coding transcript variant (1).
Genome position (GRCh38, 1-based): chr5:90,694,049, C>T. VCF-style: chr5-90694049-C-T. GRCh37 (hg19) VCF-style: chr5-89989866-C-T.
Other names: p.A2431A:GCC>GCT.
Identifiers: ClinVar variation 46368 (VCV000046368.25), dbSNP rs77791584, ClinGen allele CA138206.